The following is an entry in ClinVar:

ClinVar aggregate classification (germline): Uncertain significance (1 of 4 stars; one submission).

Submission:

Labcorp Genetics (formerly Invitae), Labcorp
Classification: Uncertain significance. Last evaluated: 2025-06-27. Review status: criteria provided, single submitter. Criteria: Invitae Variant Classification Sherloc (09022015). Collection method: clinical testing. Allele origin: germline.
Comment: This sequence change replaces alanine, which is neutral and non-polar, with glutamic acid, which is acidic and polar, at codon 285 of the VCAN protein (p.Ala285Glu). This variant is present in population databases (rs144939909, gnomAD 0.0009%). This variant has not been reported in the literature in individuals affected with VCAN-related conditions. ClinVar contains an entry for this variant (Variation ID: 2975003). An algorithm developed to predict the effect of missense changes on protein structure and function (PolyPhen-2) suggests that this variant is likely to be disruptive. In summary, the available evidence is currently insufficient to determine the role of this variant in disease. Therefore, it has been classified as a Variant of Uncertain Significance.

NM_004385.5(VCAN):c.854C>A (p.Ala285Glu)

Gene: VCAN (versican; plus strand). Cytogenetic location: 5q14.3.
Variant type: single nucleotide variant.
Coding change: c.854C>A on transcript NM_004385.5 (MANE Select); coding-DNA position 854, C replaced by A.
Protein change: p.Ala285Glu; replaces alanine 285 with glutamic acid.
Molecular consequence: missense variant.
Genome position (GRCh38, 1-based): chr5:83,512,208, C>A. VCF-style: chr5-83512208-C-A. GRCh37 (hg19) VCF-style: chr5-82808027-C-A.
Other names: c.854C>A, p.Ala285Glu (NM_001126336.3, NM_001164097.2, NM_001164098.2); short protein forms A285E.
Identifiers: ClinVar variation 2975003 (VCV002975003.3), dbSNP rs144939909, ClinGen allele CA121785171.
Genomic context (GRCh38, chr5:83,512,208, plus strand): 5'-AGGCTGCAAAAGAGTGTGAAAACCAGGATGCCAGGCTGGCAACAGTGGGGGAACTCCAGG[C>A]GGCATGGAGGAACGGCTTTGACCAGTGCGATTACGGGTGGCTGTCGGATGCCAGCGTGCG-3'
Protein context (NP_004376.2, residues 275-295): ARLATVGELQ[Ala285Glu]AWRNGFDQCD